The following is an entry in ClinVar:

ClinVar aggregate classification (germline): Benign. Review status: criteria provided, multiple submitters, no conflicts (2 of 4 stars). 4 submissions from 4 submitters: Benign (4). Last evaluated 2026-02-03.

Conditions:
Desbuquois dysplasia 1 (DBQD1). Also called: DESBUQUOIS DYSPLASIA 1, KIM VARIANT; MICROMELIC DWARFISM WITH VERTEBRAL AND METAPHYSEAL ABNORMALITIES AND ADVANCED CARPOTARSAL OSSIFICATION. Identifiers: Orphanet 1425, MedGen C4012146, MONDO:0009629, OMIM 251450.
Desbuquois dysplasia 2 (DBQD2). Also called: Baratela-Scott syndrome. Identifiers: Orphanet 1425, MedGen C4014294, MONDO:0014343, OMIM 615777.

Allele frequency attached by ClinVar (database versions not stated): 1000 Genomes Project 30x 0.09432; ExAC 0.02406; ESP Exome Variant Server 0.08312; TOPMed 0.08362; 1000 Genomes Project 0.08886; gnomAD 0.07364 and 0.07855.
gnomAD v4.1: 22,005 of 1,600,684 alleles (1.4%); highest among the groups gnomAD compares: African/African-American, 26%; 2,592 homozygotes.

Submissions (4):

Labcorp Genetics (formerly Invitae), Labcorp
Classification: Benign for Desbuquois dysplasia 1. Last evaluated: 2026-02-03. Review status: criteria provided, single submitter. Criteria: Invitae Variant Classification Sherloc (09022015). Collection method: clinical testing. Allele origin: germline.

Genome-Nilou Lab
Classification: Benign for Desbuquois dysplasia 2. Last evaluated: 2021-12-05. Review status: criteria provided, single submitter. Criteria: ACMG Guidelines, 2015. Collection method: clinical testing. Allele origin: germline. Affected: no.

GeneDx
Classification: Benign. Last evaluated: 2018-06-14. Review status: criteria provided, single submitter. Criteria: GeneDx Variant Classification (06012015). Collection method: clinical testing. Allele origin: germline. Affected: yes.
Comment: This variant is considered likely benign or benign based on one or more of the following criteria: it is a conservative change, it occurs at a poorly conserved position in the protein, it is predicted to be benign by multiple in silico algorithms, and/or has population frequency not consistent with disease.

Breakthrough Genomics
Classification: Benign. Review status: criteria provided, single submitter. Criteria: ACMG Guidelines, 2015. Collection method: not provided. Allele origin: germline. Inheritance: Autosomal recessive inheritance. Affected: yes.

NM_022166.4(XYLT1):c.2655C>T (p.Pro885=)

Gene: XYLT1 (xylosyltransferase 1; minus strand). Cytogenetic location: 16p12.3.
Variant type: single nucleotide variant.
Coding change: c.2655C>T on transcript NM_022166.4 (MANE Select); coding-DNA position 2655, C replaced by T.
Protein change: p.Pro885=; no amino-acid change (proline 885 retained).
Molecular consequence: synonymous variant.
Genome position (GRCh38, 1-based): chr16:17,108,920, G>A on the plus strand (C>T on the coding strand, the complement: XYLT1 is on the minus strand). VCF-style: chr16-17108920-G-A. GRCh37 (hg19) VCF-style: chr16-17202777-G-A.
Identifiers: ClinVar variation 684362 (VCV000684362.12), dbSNP rs924260, ClinGen allele CA7927516.